The following is an entry in ClinVar:

NM_000369.5(TSHR):c.1206C>T (p.Ser402=)

Genes: TSHR (thyroid stimulating hormone receptor; plus strand), TSHR-AS1 (TSHR antisense RNA 1; minus strand). Cytogenetic location: 14q31.1.
Variant type: single nucleotide variant.
Coding change: c.1206C>T on transcript NM_000369.5 (MANE Select); coding-DNA position 1206, C replaced by T.
Protein change: p.Ser402=; no amino-acid change (serine 402 retained).
Molecular consequence: synonymous variant.
Genome position (GRCh38, 1-based): chr14:81,143,264, C>T. VCF-style: chr14-81143264-C-T. GRCh37 (hg19) VCF-style: chr14-81609608-C-T.
Identifiers: ClinVar variation 745091 (VCV000745091.33), dbSNP rs150524100, ClinGen allele CA7294408.
Genomic context (GRCh38, chr14:81,143,264, plus strand): 5'-CAGCCATTATGACTACACCATATGTGGGGACAGTGAAGACATGGTGTGTACCCCCAAGTC[C>T]GATGAGTTCAACCCGTGTGAAGACATAATGGGCTACAAGTTCCTGAGAATTGTGGTGTGG-3'
Protein context (NP_000360.2, residues 392-412): DSEDMVCTPK[Ser402=]DEFNPCEDIM

ClinVar aggregate classification (germline): Conflicting classifications of pathogenicity. Review status: criteria provided, conflicting classifications (1 of 4 stars). 5 submissions from 4 submitters: Uncertain significance (1); Likely benign (3). 1 of the submissions does not count toward it. Last evaluated 2024-03-01.

Conditions:
Familial hyperthyroidism due to mutations in TSH receptor. Also called: HYPERTHYROIDISM, CONGENITAL NONAUTOIMMUNE; HYPERTHYROIDISM, NONAUTOIMMUNE, AUTOSOMAL DOMINANT; TOXIC THYROID HYPERPLASIA, AUTOSOMAL DOMINANT. Identifiers: Orphanet 424, MedGen C1836706, MONDO:0012203, OMIM 609152.
Hypothyroidism due to TSH receptor mutations. Also called: Hypothyroidism, congenital, nongoitrous, 1; HYPOTHYROIDISM DUE TO UNRESPONSIVENESS TO THYROTROPIN; HYPOTHYROIDISM, CONGENITAL, DUE TO TSH RESISTANCE; HYPOTHYROIDISM, NONAUTOIMMUNE; THYROID-STIMULATING HORMONE, RESISTANCE TO; TSH RESISTANCE. Identifiers: Orphanet 90673, MedGen C3493776, MONDO:0010142, OMIM 275200.
TSHR-related disorder. Also called: TSHR-related disorders; TSHR-related condition.

Allele frequency attached by ClinVar (database versions not stated): TOPMed 0.00010; ExAC 0.00013; ESP Exome Variant Server 0.00023; gnomAD 0.00024 and 0.00026.
gnomAD v4.1: 291 of 1,613,978 alleles (0.018%); highest among the groups gnomAD compares: Non-Finnish European, 0.017%; 1 homozygote.

Submissions (5):

Labcorp Genetics (formerly Invitae), Labcorp
Classification: Likely benign. Last evaluated: 2024-03-01. Review status: criteria provided, single submitter. Criteria: Invitae Variant Classification Sherloc (09022015). Collection method: clinical testing. Allele origin: germline.

CeGaT Center for Human Genetics Tuebingen
Classification: Likely benign. Last evaluated: 2024-01-01. Review status: criteria provided, single submitter. Criteria: CeGaT Center For Human Genetics Tuebingen Variant Classification Criteria Version 2. Collection method: clinical testing. Allele origin: germline. Affected: yes. Observed: 1 variant allele.
Comment: TSHR: BP4, BP7

Illumina Laboratory Services, Illumina
Classification: Uncertain significance for Hypothyroidism due to TSH receptor mutations. Last evaluated: 2018-01-13. Review status: criteria provided, single submitter. Criteria: ICSL Variant Classification Criteria 13 December 2019. Collection method: clinical testing. Allele origin: germline.

Illumina Laboratory Services, Illumina
Classification: Likely benign for Familial hyperthyroidism due to mutations in TSH receptor. Last evaluated: 2018-01-13. Review status: criteria provided, single submitter. Criteria: ICSL Variant Classification Criteria 13 December 2019. Collection method: clinical testing. Allele origin: germline.
Comment: This variant was observed in the ICSL laboratory as part of a predisposition screen in an ostensibly healthy population. It had not been previously curated by ICSL or reported in the Human Gene Mutation Database (HGMD: prior to June 1st, 2018), and was therefore a candidate for classification through an automated scoring system. Utilizing variant allele frequency, disease prevalence and penetrance estimates, and inheritance mode, an automated score was calculated to assess if this variant is too frequent to cause the disease. Based on the score and internal cut-off values, a variant classified as likely benign is not then subjected to further curation. The score for this variant resulted in a classification of likely benign for this disease.

PreventionGenetics, part of Exact Sciences
Classification: Likely benign for TSHR-related condition. Last evaluated: 2019-08-20. Review status: no assertion criteria provided. Collection method: clinical testing. Allele origin: germline. Not counted in ClinVar's aggregate classification.
Comment: This variant is classified as likely benign based on ACMG/AMP sequence variant interpretation guidelines (Richards et al. 2015 PMID: 25741868, with internal and published modifications).